The following is an entry in ClinVar:

NM_001042545.2(LTBP4):c.3268G>A (p.Ala1090Thr)

Gene: LTBP4 (latent transforming growth factor beta binding protein 4; plus strand). Cytogenetic location: 19q13.2.
Variant type: single nucleotide variant.
Coding change: c.3268G>A on transcript NM_001042545.2 (MANE Select); coding-DNA position 3268, G replaced by A.
Protein change: p.Ala1090Thr; replaces alanine 1090 with threonine.
Molecular consequence: missense variant.
Genome position (GRCh38, 1-based): chr19:40,622,451, G>A. VCF-style: chr19-40622451-G-A. GRCh37 (hg19) VCF-style: chr19-41128356-G-A.
Other names: c.3469G>A, p.Ala1157Thr (NM_001042544.1); c.3358G>A, p.Ala1120Thr (NM_003573.2); short protein forms A1090T, A1120T, A1157T.
Identifiers: ClinVar variation 1205598 (VCV001205598.42), dbSNP rs372105249, ClinGen allele CA9448967.

ClinVar aggregate classification (germline): Uncertain significance. Review status: criteria provided, multiple submitters, no conflicts (2 of 4 stars). 4 submissions from 4 submitters: Uncertain significance (4). Last evaluated 2026-02-03.

Allele frequency attached by ClinVar (database versions not stated): ExAC 0.00012; gnomAD 0.00014 and 0.00016; TOPMed 0.00015; gnomAD exomes 0.00010; ESP Exome Variant Server 0.00017.
gnomAD v4.1: 246 of 1,596,794 alleles (0.015%); highest among the groups gnomAD compares: Non-Finnish European, 0.018%; no homozygotes.

Submissions (4):

Labcorp Genetics (formerly Invitae), Labcorp
Classification: Uncertain significance. Last evaluated: 2026-02-03. Review status: criteria provided, single submitter. Criteria: Invitae Variant Classification Sherloc (09022015). Collection method: clinical testing. Allele origin: germline.
Comment: This sequence change replaces alanine, which is neutral and non-polar, with threonine, which is neutral and polar, at codon 1120 of the LTBP4 protein (p.Ala1120Thr). This variant is present in population databases (rs372105249, gnomAD 0.02%). This variant has not been reported in the literature in individuals affected with LTBP4-related conditions. ClinVar contains an entry for this variant (Variation ID: 1205598). Experimental studies and prediction algorithms are not available or were not evaluated, and the functional significance of this variant is currently unknown. In summary, the available evidence is currently insufficient to determine the role of this variant in disease. Therefore, it has been classified as a Variant of Uncertain Significance.

GeneDx
Classification: Uncertain significance. Last evaluated: 2026-01-13. Review status: criteria provided, single submitter. Criteria: GeneDx Variant Classification Process June 2021. Collection method: clinical testing. Allele origin: germline. Affected: yes.
Comment: In silico analysis supports that this missense variant has a deleterious effect on protein structure/function; Has not been previously published as pathogenic or benign to our knowledge

CeGaT Center for Human Genetics Tuebingen
Classification: Uncertain significance. Last evaluated: 2025-02-01. Review status: criteria provided, single submitter. Criteria: CeGaT Center For Human Genetics Tuebingen Variant Classification Criteria Version 2. Collection method: clinical testing. Allele origin: germline. Affected: yes. Observed: 3 variant alleles.
Comment: LTBP4: PM2, PP3

Women's Health and Genetics/Laboratory Corporation of America, LabCorp
Classification: Uncertain significance. Last evaluated: 2022-01-11. Review status: criteria provided, single submitter. Criteria: LabCorp Variant Classification Summary - May 2015. Collection method: clinical testing. Allele origin: germline.
Comment: Variant summary: LTBP4 c.3355G>A (p.Ala1119Thr) (refseq HGVS c.3358G>A, p.Ala1120Thr) results in a non-conservative amino acid change in the encoded protein sequence. Three of five in-silico tools predict a damaging effect of the variant on protein function. The variant allele was found at a frequency of 0.0001 in 223934 control chromosomes. This frequency is not significantly higher than estimated for a pathogenic variant in LTBP4 causing Cutis Laxa - LTBP4 Related (0.0001 vs 0.0011), allowing no conclusion about variant significance. To our knowledge, no occurrence of c.3355G>A in individuals affected with Cutis Laxa - LTBP4 Related and no experimental evidence demonstrating its impact on protein function have been reported. One clinical diagnostic laboratory has submitted clinical-significance assessments for this variant to ClinVar after 2014 without evidence for independent evaluation and classified the variant as uncertain significance. Based on the evidence outlined above, the variant was classified as uncertain significance.